The following is an entry in ClinVar:

ClinVar aggregate classification (germline): Uncertain significance (1 of 4 stars; one submission).

Submission:

Labcorp Genetics (formerly Invitae), Labcorp
Classification: Uncertain significance. Last evaluated: 2025-01-13. Review status: criteria provided, single submitter. Criteria: Invitae Variant Classification Sherloc (09022015). Collection method: clinical testing. Allele origin: germline.
Comment: This sequence change replaces alanine, which is neutral and non-polar, with glycine, which is neutral and non-polar, at codon 756 of the ITGAM protein (p.Ala756Gly). This variant is not present in population databases (gnomAD no frequency). This variant has not been reported in the literature in individuals affected with ITGAM-related conditions. An algorithm developed to predict the effect of missense changes on protein structure and function (PolyPhen-2) suggests that this variant is likely to be disruptive. In summary, the available evidence is currently insufficient to determine the role of this variant in disease. Therefore, it has been classified as a Variant of Uncertain Significance.

NM_000632.4(ITGAM):c.2267C>G (p.Ala756Gly)

Gene: ITGAM (integrin subunit alpha M; plus strand). Cytogenetic location: 16p11.2.
Variant type: single nucleotide variant.
Coding change: c.2267C>G on transcript NM_000632.4 (MANE Select); coding-DNA position 2267, C replaced by G.
Protein change: p.Ala756Gly; replaces alanine 756 with glycine.
Molecular consequence: missense variant.
Genome position (GRCh38, 1-based): chr16:31,324,760, C>G. VCF-style: chr16-31324760-C-G. GRCh37 (hg19) VCF-style: chr16-31336081-C-G.
Other names: c.2270C>G, p.Ala757Gly (NM_001145808.2); short protein forms A757G, A756G.
Identifiers: ClinVar variation 3728957 (VCV003728957.2).
Genomic context (GRCh38, chr16:31,324,760, plus strand): 5'-CTCTGGTGGGAACGCCATTGTCTGCTTTCGGGAACCTCCGGCCAGTGCTGGCGGAGGATG[C>G]TCAGAGACTCTTCACAGCCTTGGTGAGTCCAGAGTTGGGGTCCTGCAGGGGTGTGGAAGA-3'
Protein context (NP_000623.2, residues 746-766): GNLRPVLAED[Ala756Gly]QRLFTALFPF